The following is an entry in ClinVar:

NM_024782.3(NHEJ1):c.518C>T (p.Thr173Met)

Gene: NHEJ1 (non-homologous end joining factor 1; minus strand). Cytogenetic location: 2q35.
Variant type: single nucleotide variant.
Coding change: c.518C>T on transcript NM_024782.3 (MANE Select); coding-DNA position 518, C replaced by T.
Protein change: p.Thr173Met; replaces threonine 173 with methionine.
Molecular consequence: missense variant. On other transcripts: non-coding transcript variant (1).
Genome position (GRCh38, 1-based): chr2:219,147,668, G>A on the plus strand (C>T on the coding strand, the complement: NHEJ1 is on the minus strand). VCF-style: chr2-219147668-G-A. GRCh37 (hg19) VCF-style: chr2-220012390-G-A.
Other names: c.518C>T, p.Thr173Met (NM_001377498.1, NM_001377499.1); short protein forms T173M.
Identifiers: ClinVar variation 2152958 (VCV002152958.4), dbSNP rs770861190, ClinGen allele CA2116968.

ClinVar aggregate classification (germline): Uncertain significance (1 of 4 stars; one submission).

Conditions:
Cernunnos-XLF deficiency (IMD124). Also called: SCID, AUTOSOMAL RECESSIVE, T CELL-NEGATIVE, B CELL-NEGATIVE, NK CELL-POSITIVE, WITH MICROCEPHALY, GROWTH RETARDATION, AND SENSITIVITY TO IONIZING RADIATION; NHEJ1 SYNDROME; Severe combined immunodeficiency with sensitivity to ionizing radiation due to NHEJ1 deficiency; SCID, autosomal recessive, T cell-negative, B cell-negative, NK cell-positive, and sensitivity to ionizing radiation due to NHEJ1 deficiency; IMMUNODEFICIENCY 124, SEVERE COMBINED. Identifiers: Orphanet 169079, MedGen C1969799, MONDO:0012650, OMIM 611291.

Allele frequency attached by ClinVar (database versions not stated): ExAC 0.00001; gnomAD 0.00001; TOPMed 0.00001.
gnomAD v4.1: 7 of 1,614,102 alleles (0.00043%); highest among the groups gnomAD compares: African/African-American, 0.0027%; no homozygotes.

Submission:

Labcorp Genetics (formerly Invitae), Labcorp
Classification: Uncertain significance for Cernunnos-XLF deficiency. Last evaluated: 2022-09-21. Review status: criteria provided, single submitter. Criteria: Invitae Variant Classification Sherloc (09022015). Collection method: clinical testing. Allele origin: germline.
Comment: This variant has not been reported in the literature in individuals affected with NHEJ1-related conditions. In summary, the available evidence is currently insufficient to determine the role of this variant in disease. Therefore, it has been classified as a Variant of Uncertain Significance. Advanced modeling of protein sequence and biophysical properties (such as structural, functional, and spatial information, amino acid conservation, physicochemical variation, residue mobility, and thermodynamic stability) performed at Invitae indicates that this missense variant is not expected to disrupt NHEJ1 protein function. This variant is present in population databases (rs770861190, gnomAD 0.004%). This sequence change replaces threonine, which is neutral and polar, with methionine, which is neutral and non-polar, at codon 173 of the NHEJ1 protein (p.Thr173Met).